The following is an entry in ClinVar:

ClinVar aggregate classification (germline): no classifications from unflagged records (0 of 4 stars; one submission).

Conditions:
Agammaglobulinemia 2, autosomal recessive (AGM2). Also called: AGAMMAGLOBULINEMIA, AUTOSOMAL RECESSIVE, DUE TO IGLL1 DEFECT. Identifiers: MedGen C3150750, MONDO:0013287, OMIM 613500.

Submission:

Labcorp Genetics (formerly Invitae), Labcorp
Classification: Uncertain significance for Agammaglobulinemia 2, autosomal recessive. Last evaluated: 2021-09-20. Review status: flagged submission. Criteria: Invitae Variant Classification Sherloc (09022015). Collection method: clinical testing. Allele origin: germline.
Comment: A gross deletion of the genomic region encompassing the full coding sequence of the IGLL1 gene has been identified. The current clinical and genetic evidence is not sufficient to establish whether loss-of-function variants in IGLL1 cause disease. The boundaries of this event are unknown as they extend beyond the assayed region for this gene and therefore may encompass additional genes. This variant has not been reported in the literature in individuals with IGLL1-related conditions. In summary, the available evidence is currently insufficient to determine the role of this variant in disease. Therefore, it has been classified as a Variant of Uncertain Significance.
ClinVar note: Notes: This submission was flagged because its interpretation of this variant conflicts with the ClinGen Gene Dosage Map curation for the gene SMARCB1.
ClinVar note: Reason: Conflict with ClinGen Gene Dosage Map

NC_000022.10:g.(?_23915453)_(24237293_?)del

Genes: C22orf15 (chromosome 22 open reading frame 15; plus strand), CHCHD10 (coiled-coil-helix-coiled-coil-helix domain containing 10; minus strand), DERL3 (derlin 3; minus strand), DRICH1 (aspartate rich 1; minus strand), IGLL1 (immunoglobulin lambda like polypeptide 1; minus strand) and 7 more. Cytogenetic location: 22q11.23.
Variant type: Deletion.
Identifiers: ClinVar variation 1442392 (VCV001442392.3).